The following is an entry in ClinVar:

NM_000343.4(SLC5A1):c.1577dup (p.Tyr526Ter)

Gene: SLC5A1 (solute carrier family 5 member 1; plus strand). Cytogenetic location: 22q12.3.
Variant type: Duplication.
Coding change: c.1577dup on transcript NM_000343.4 (MANE Select); coding-DNA position 1577, one base duplicated (A; older notation c.1577dupA).
Protein change: p.Tyr526Ter; replaces tyrosine 526 with a stop codon.
Molecular consequence: nonsense.
Genome position (GRCh38, 1-based): chr22:32,102,149, A duplicated. VCF-style (leftmost placement, unchanged base first): chr22-32102148-T-TA. GRCh37 (hg19) VCF-style: chr22-32498135-T-TA.
Other names: c.1196dup, p.Tyr399Ter (NM_001256314.2); short protein forms Y399*, Y526*.
Identifiers: ClinVar variation 2633069 (VCV002633069.1), dbSNP rs1046576892, ClinGen allele CA323383503.

ClinVar aggregate classification (germline): Likely pathogenic (1 of 4 stars; one submission).

Conditions:
SLC5A1-related disorder. Also called: SLC5A1-related condition.

Allele frequency attached by ClinVar (database versions not stated): TOPMed 0.00002.

Submission:

PreventionGenetics, part of Exact Sciences
Classification: Likely pathogenic for SLC5A1-related condition. Last evaluated: 2023-04-17. Review status: criteria provided, single submitter. Criteria: ACMG Guidelines, 2015. Collection method: clinical testing. Allele origin: germline.
Comment: The SLC5A1 c.1577dupA variant is predicted to result in premature protein termination (p.Tyr526*). To our knowledge, this variant has not been reported in the literature or in a large population database, indicating this variant is rare. Nonsense variants in SLC5A1 are expected to be pathogenic. This variant is interpreted as likely pathogenic.